The following is an entry in ClinVar:

NM_004285.4(H6PD):c.1655A>G (p.Glu552Gly)

Gene: H6PD (hexose-6-phosphate dehydrogenase/glucose 1-dehydrogenase; plus strand). Cytogenetic location: 1p36.22.
Variant type: single nucleotide variant.
Coding change: c.1655A>G on transcript NM_004285.4 (MANE Select); coding-DNA position 1655, A replaced by G.
Protein change: p.Glu552Gly; replaces glutamic acid 552 with glycine.
Molecular consequence: missense variant.
Genome position (GRCh38, 1-based): chr1:9,264,148, A>G. VCF-style: chr1-9264148-A-G. GRCh37 (hg19) VCF-style: chr1-9324207-A-G.
Other names: c.1688A>G, p.Glu563Gly (NM_001282587.2); short protein forms E552G, E563G.
Identifiers: ClinVar variation 1992898 (VCV001992898.4), dbSNP rs2521985164, ClinGen allele CA338193493.

ClinVar aggregate classification (germline): Uncertain significance (1 of 4 stars; one submission).

Allele frequency attached by ClinVar (database versions not stated): gnomAD exomes below 0.00001.
gnomAD v4.1: 1 of 1,613,478 alleles (0.000062%); highest among the groups gnomAD compares: Non-Finnish European, 0.000085%; no homozygotes.

Submission:

Labcorp Genetics (formerly Invitae), Labcorp
Classification: Uncertain significance. Last evaluated: 2022-05-10. Review status: criteria provided, single submitter. Criteria: Invitae Variant Classification Sherloc (09022015). Collection method: clinical testing. Allele origin: germline.
Comment: In summary, the available evidence is currently insufficient to determine the role of this variant in disease. Therefore, it has been classified as a Variant of Uncertain Significance. Algorithms developed to predict the effect of missense changes on protein structure and function (SIFT, PolyPhen-2, Align-GVGD) all suggest that this variant is likely to be tolerated. This variant has not been reported in the literature in individuals affected with H6PD-related conditions. This variant is not present in population databases (gnomAD no frequency). This sequence change replaces glutamic acid, which is acidic and polar, with glycine, which is neutral and non-polar, at codon 552 of the H6PD protein (p.Glu552Gly).